The following is an entry in ClinVar:

ClinVar aggregate classification (germline): Uncertain significance (1 of 4 stars; one submission).

Conditions:
EGFR-related lung cancer (EGFR). Identifiers: MedGen CN130014.

Submission:

Labcorp Genetics (formerly Invitae), Labcorp
Classification: Uncertain significance for EGFR-related lung cancer. Last evaluated: 2024-07-29. Review status: criteria provided, single submitter. Criteria: Invitae Variant Classification Sherloc (09022015). Collection method: clinical testing. Allele origin: germline.
Comment: This sequence change replaces proline, which is neutral and non-polar, with leucine, which is neutral and non-polar, at codon 296 of the EGFR protein (p.Pro296Leu). This variant is not present in population databases (gnomAD no frequency). This variant has not been reported in the literature in individuals affected with EGFR-related conditions. ClinVar contains an entry for this variant (Variation ID: 1345662). An algorithm developed to predict the effect of missense changes on protein structure and function (PolyPhen-2) suggests that this variant is likely to be disruptive. In summary, the available evidence is currently insufficient to determine the role of this variant in disease. Therefore, it has been classified as a Variant of Uncertain Significance.

NM_005228.5(EGFR):c.887C>T (p.Pro296Leu)

Gene: EGFR (epidermal growth factor receptor; plus strand). Cytogenetic location: 7p11.2.
Variant type: single nucleotide variant.
Coding change: c.887C>T on transcript NM_005228.5 (MANE Select); coding-DNA position 887, C replaced by T.
Protein change: p.Pro296Leu; replaces proline 296 with leucine.
Molecular consequence: missense variant. On other transcripts: intron variant (1).
Genome position (GRCh38, 1-based): chr7:55,154,150, C>T. VCF-style: chr7-55154150-C-T. GRCh37 (hg19) VCF-style: chr7-55221843-C-T.
Other names: c.752C>T, p.Pro251Leu (NM_001346897.2, NM_001346899.2); c.887C>T, p.Pro296Leu (NM_001346898.2, NM_201282.2, NM_201283.2 and 1 more transcripts); c.728C>T, p.Pro243Leu (NM_001346900.2); c.89-1680C>T (NM_001346941.2); short protein forms P243L, P251L, P296L.
Identifiers: ClinVar variation 1345662 (VCV001345662.8), dbSNP rs2128935189, ClinGen allele CA367577895.
Genomic context (GRCh38, chr7:55,154,150, plus strand): 5'-AGATGGATGTGAACCCCGAGGGCAAATACAGCTTTGGTGCCACCTGCGTGAAGAAGTGTC[C>T]CCGTGAGTCCTCCTCTGTGGGCCCTCTAACTGGTCAGGCATCCTTGTCCCGCTCTGTCTC-3'
Protein context (NP_005219.2, residues 286-306): SFGATCVKKC[Pro296Leu]RNYVVTDHGS